The following is an entry in ClinVar:

ClinVar aggregate classification (germline): Likely benign. Review status: criteria provided, single submitter (1 of 4 stars). 2 submissions from 2 submitters: Likely benign (1). 1 of the submissions does not count toward it. Last evaluated 2022-02-08.

Conditions:
PDE10A-related disorder. Also called: PDE10A-related condition.

Allele frequency attached by ClinVar (database versions not stated): gnomAD 0.00001 and 0.00002; gnomAD exomes 0.00001 and 0.00002; TOPMed 0.00001.
gnomAD v4.1: 33 of 1,612,766 alleles (0.002%); highest among the groups gnomAD compares: Non-Finnish European, 0.0025%; no homozygotes.

Submissions (2):

Labcorp Genetics (formerly Invitae), Labcorp
Classification: Likely benign. Last evaluated: 2022-02-08. Review status: criteria provided, single submitter. Criteria: Invitae Variant Classification Sherloc (09022015). Collection method: clinical testing. Allele origin: germline.

PreventionGenetics, part of Exact Sciences
Classification: Likely benign for PDE10A-related condition. Last evaluated: 2020-09-16. Review status: no assertion criteria provided. Collection method: clinical testing. Allele origin: germline. Not counted in ClinVar's aggregate classification.
Comment: This variant is classified as likely benign based on ACMG/AMP sequence variant interpretation guidelines (Richards et al. 2015 PMID: 25741868, with internal and published modifications).

NM_001385079.1(PDE10A):c.1371A>G (p.Ser457=)

Gene: PDE10A (phosphodiesterase 10A; minus strand). Cytogenetic location: 6q27.
Variant type: single nucleotide variant.
Coding change: c.1371A>G on transcript NM_001385079.1 (MANE Select); coding-DNA position 1371, A replaced by G.
Protein change: p.Ser457=; no amino-acid change (serine 457 retained).
Molecular consequence: synonymous variant.
Genome position (GRCh38, 1-based): chr6:165,433,094, T>C on the plus strand (A>G on the coding strand, the complement: PDE10A is on the minus strand). VCF-style: chr6-165433094-T-C. GRCh37 (hg19) VCF-style: chr6-165846582-T-C.
Other names: c.573A>G, p.Ser191= (NM_001130690.3); c.543A>G, p.Ser181= (NM_006661.4); c.573A>G (NM_001130690.2).
Identifiers: ClinVar variation 1122427 (VCV001122427.11), dbSNP rs1173003721, ClinGen allele CA453230772.